The following is an entry in ClinVar:

NM_004562.3(PRKN):c.353G>C (p.Gly118Ala)

Gene: PRKN (parkin RBR E3 ubiquitin protein ligase; minus strand). Cytogenetic location: 6q26.
Variant type: single nucleotide variant.
Coding change: c.353G>C on transcript NM_004562.3 (MANE Select); coding-DNA position 353, G replaced by C.
Protein change: p.Gly118Ala; replaces glycine 118 with alanine.
Molecular consequence: missense variant. On other transcripts: intron variant (1).
Genome position (GRCh38, 1-based): chr6:162,262,584, C>G on the plus strand (G>C on the coding strand, the complement: PRKN is on the minus strand). VCF-style: chr6-162262584-C-G. GRCh37 (hg19) VCF-style: chr6-162683616-C-G.
Other names: c.353G>C, p.Gly118Ala (NM_013987.3); c.171+180726G>C (NM_013988.3); short protein forms G118A.
Identifiers: ClinVar variation 946993 (VCV000946993.10), dbSNP rs144001694, ClinGen allele CA4090412.
Genomic context (GRCh38, chr6:162,262,584, plus strand): 5'-CCTGGACTTCCAGCTGGTGGTGAGTCCTTCCTGCTGTCAGTGTGCAGAATGACAGCCAGC[C>G]CCACAGAGTCTCCTGGGAGGACTGAGCTGCTGAGGTCCACCCGAGTCAAGCTCTGGGGCT-3'
Protein context (NP_004553.2, residues 108-128): SSSVLPGDSV[Gly118Ala]LAVILHTDSR

ClinVar aggregate classification (germline): Uncertain significance. Review status: criteria provided, multiple submitters, no conflicts (2 of 4 stars). 2 submissions from 2 submitters: Uncertain significance (2). Last evaluated 2024-01-22.

Conditions:
Autosomal recessive juvenile Parkinson disease 2. Also called: PARKINSON DISEASE, JUVENILE, AUTOSOMAL RECESSIVE; PRKN-Related Early-Onset Parkinson Disease; Parkinson disease, juvenile, type 2; Parkinson disease autosomal recessive, early onset; Juvenile parkinsonism; Parkinsonism, early onset, with diurnal fluctuation. Identifiers: Orphanet 2828, MedGen C1868675, MONDO:0010820, OMIM 600116.
Ovarian neoplasm. Also called: Ovarian Neoplasms; Neoplasm of ovary; Ovarian tumor. Identifiers: MedGen C0919267, MeSH D010051, MONDO:0021068, HP:0100615.
Lung cancer. Also called: Malignant tumor of lung; Lung cancer, somatic. Identifiers: MedGen C0242379, MONDO:0008903, OMIM 211980.

Allele frequency attached by ClinVar (database versions not stated): gnomAD exomes 0.00001; ExAC 0.00002; TOPMed 0.00002; gnomAD 0.00004; ESP Exome Variant Server 0.00008.
gnomAD v4.1: 25 of 1,613,028 alleles (0.0015%); highest among the groups gnomAD compares: African/African-American, 0.0027%; no homozygotes.

Submissions (2):

Labcorp Genetics (formerly Invitae), Labcorp
Classification: Uncertain significance. Last evaluated: 2024-01-22. Review status: criteria provided, single submitter. Criteria: Invitae Variant Classification Sherloc (09022015). Collection method: clinical testing. Allele origin: germline.
Comment: This sequence change replaces glycine, which is neutral and non-polar, with alanine, which is neutral and non-polar, at codon 118 of the PRKN protein (p.Gly118Ala). This variant is present in population databases (rs144001694, gnomAD 0.003%). This variant has not been reported in the literature in individuals affected with PRKN-related conditions. ClinVar contains an entry for this variant (Variation ID: 946993). Advanced modeling of protein sequence and biophysical properties (such as structural, functional, and spatial information, amino acid conservation, physicochemical variation, residue mobility, and thermodynamic stability) has been performed at Invitae for this missense variant, however the output from this modeling did not meet the statistical confidence thresholds required to predict the impact of this variant on PRKN protein function. In summary, the available evidence is currently insufficient to determine the role of this variant in disease. Therefore, it has been classified as a Variant of Uncertain Significance.

Fulgent Genetics
Classification: Uncertain significance for Ovarian cancer; Lung cancer; Autosomal recessive juvenile Parkinson disease 2. Last evaluated: 2022-02-14. Review status: criteria provided, single submitter. Criteria: ACMG Guidelines, 2015. Collection method: clinical testing. Allele origin: unknown.